The following is an entry in ClinVar:

NM_005359.6(SMAD4):c.447G>C (p.Gln149His)

Gene: SMAD4 (SMAD family member 4; plus strand). Cytogenetic location: 18q21.2.
Variant type: single nucleotide variant.
Coding change: c.447G>C on transcript NM_005359.6 (MANE Select); coding-DNA position 447, G replaced by C.
Protein change: p.Gln149His; replaces glutamine 149 with histidine.
Molecular consequence: missense variant. On other transcripts: non-coding transcript variant (2).
Genome position (GRCh38, 1-based): chr18:51,049,317, G>C. VCF-style: chr18-51049317-G-C. GRCh37 (hg19) VCF-style: chr18-48575687-G-C.
Other names: c.447G>C, p.Gln149His (NM_001407041.1, NM_001407042.1, NM_001407043.1); short protein forms Q149H.
Identifiers: ClinVar variation 5029732 (VCV005029732.1).

ClinVar aggregate classification (germline): Uncertain significance (1 of 4 stars; one submission).

Conditions:
Familial thoracic aortic aneurysm and aortic dissection (TAAD). Also called: Thoracic aortic aneurysms and dissections. Identifiers: Orphanet 91387, MedGen C4707243, MONDO:0019625.
Hereditary cancer-predisposing syndrome. Also called: Neoplastic Syndromes, Hereditary; Tumor predisposition; Hereditary neoplastic syndrome; Hereditary Cancer Syndrome. Identifiers: Orphanet 140162, MedGen C0027672, MeSH D009386, MONDO:0015356.

Submission:

Ambry Genetics
Classification: Uncertain significance for Hereditary cancer-predisposing syndrome; Familial thoracic aortic aneurysm and aortic dissection. Last evaluated: 2026-07-06. Review status: criteria provided, single submitter. Criteria: Ambry Variant Classification Scheme 2023. Collection method: clinical testing. Allele origin: germline.
Comment: The p.Q149H variant (also known as c.447G>C), located in coding exon 3 of the SMAD4 gene, results from a G to C substitution at nucleotide position 447. The glutamine at codon 149 is replaced by histidine, an amino acid with highly similar properties. This amino acid position is conserved. In addition, the in silico prediction for this alteration is inconclusive. Based on the available evidence, the clinical significance of this variant remains unclear.